The following is an entry in ClinVar:

NM_000271.5(NPC1):c.3535A>G (p.Met1179Val)

Gene: NPC1 (NPC intracellular cholesterol transporter 1; minus strand). Cytogenetic location: 18q11.2.
Variant type: single nucleotide variant.
Coding change: c.3535A>G on transcript NM_000271.5 (MANE Select); coding-DNA position 3535, A replaced by G.
Protein change: p.Met1179Val; replaces methionine 1179 with valine.
Molecular consequence: missense variant.
Genome position (GRCh38, 1-based): chr18:23,534,502, T>C on the plus strand (A>G on the coding strand, the complement: NPC1 is on the minus strand). VCF-style: chr18-23534502-T-C. GRCh37 (hg19) VCF-style: chr18-21114466-T-C.
Other names: short protein forms M1179V.
Identifiers: ClinVar variation 92713 (VCV000092713.23), dbSNP rs61731969, ClinGen allele CA145966.

ClinVar aggregate classification (germline): Benign. Review status: criteria provided, multiple submitters, no conflicts (2 of 4 stars). 5 submissions from 5 submitters: Benign (5). Last evaluated 2026-02-03.

Conditions:
Niemann-Pick disease, type C1. Also called: NIEMANN-PICK DISEASE, VARIANT TYPE C1; NEUROVISCERAL STORAGE DISEASE WITH VERTICAL SUPRANUCLEAR OPHTHALMOPLEGIA; NIEMANN-PICK DISEASE WITH CHOLESTEROL ESTERIFICATION BLOCK; NIEMANN-PICK DISEASE WITHOUT SPHINGOMYELINASE DEFICIENCY; NIEMANN-PICK DISEASE, CHRONIC NEURONOPATHIC FORM. Identifiers: Orphanet 646, MedGen C3179455, MONDO:0009757, OMIM 257220.

Allele frequency attached by ClinVar (database versions not stated): TOPMed 0.00503; ExAC 0.00137; 1000 Genomes Project 0.00479; gnomAD exomes 0.00109 and 0.00038; gnomAD 0.00459 and 0.00428; 1000 Genomes Project 30x 0.00578; ESP Exome Variant Server 0.00415.

Submissions (5):

Labcorp Genetics (formerly Invitae), Labcorp
Classification: Benign for Niemann-Pick disease, type C1. Last evaluated: 2026-02-03. Review status: criteria provided, single submitter. Criteria: Invitae Variant Classification Sherloc (09022015). Collection method: clinical testing. Allele origin: germline.

GeneDx
Classification: Benign. Last evaluated: 2019-12-06. Review status: criteria provided, single submitter. Criteria: GeneDx Variant Classification Process June 2021. Collection method: clinical testing. Allele origin: germline. Affected: yes.

Illumina Laboratory Services, Illumina
Classification: Benign for Niemann-Pick disease type C1. Last evaluated: 2017-04-27. Review status: criteria provided, single submitter. Criteria: ICSL Variant Classification Criteria 13 December 2019. Collection method: clinical testing. Allele origin: germline.
Comment: This variant was observed as part of a predisposition screen in an ostensibly healthy population. A literature search was performed for the gene, cDNA change, and amino acid change (where applicable). Publications were found based on this search. The evidence from the literature, in combination with allele frequency data from public databases where available, was sufficient to rule this variant out of causing disease. Therefore, this variant is classified as benign.

Eurofins Ntd Llc (ga)
Classification: Benign. Last evaluated: 2013-04-29. Review status: criteria provided, single submitter. Criteria: EGL Classification Definitions 2015. Collection method: clinical testing. Allele origin: germline. Observed: 1 variant allele, 1 heterozygote.

Breakthrough Genomics
Classification: Benign. Review status: criteria provided, single submitter. Criteria: ACMG Guidelines, 2015. Collection method: not provided. Allele origin: germline. Inheritance: Autosomal recessive inheritance. Affected: yes.

Literature cited by the submitters: PubMed 24767253 (cited by Illumina Laboratory Services, Illumina).